The following is an entry in ClinVar:

ClinVar aggregate classification (germline): Uncertain significance (0 of 4 stars; one submission).

Conditions:
Carcinoma of colon (CRC). Also called: Colonic carcinoma; Colon carcinoma. Identifiers: MedGen C0699790, MONDO:0002032.

Submission:

Immunobiology Lab; University of Kashmir
Classification: Uncertain significance for Carcinoma of colon. Last evaluated: 2015-01-24. Review status: no assertion criteria provided. Collection method: case-control. Allele origin: somatic. Affected: yes. Study: Mutational Hotspot profiling of Tyrosine Kinase domain of VEGF receptors in Human colorectal tumors.
Comment: The variation(s) were confirmed by double pass sequencing of PCR products amplified from genomic DNA of colonic lesions fron colorectal patients

NM_002253.4(KDR):c.2676T>A (p.Ile892=)

Gene: KDR (kinase insert domain receptor; minus strand). Cytogenetic location: 4q12.
Variant type: single nucleotide variant.
Coding change: c.2676T>A on transcript NM_002253.4 (MANE Select); coding-DNA position 2676, T replaced by A.
Protein change: p.Ile892=; no amino-acid change (isoleucine 892 retained).
Molecular consequence: synonymous variant.
Genome position (GRCh38, 1-based): chr4:55,096,281, A>T on the plus strand (T>A on the coding strand, the complement: KDR is on the minus strand). VCF-style: chr4-55096281-A-T. GRCh37 (hg19) VCF-style: chr4-55962448-A-T.
Other names: KP761782.
Identifiers: ClinVar variation 204327 (VCV000204327.3), dbSNP rs794729677, ClinGen allele CA251251.